The following is an entry in ClinVar:

ClinVar aggregate classification (germline): Pathogenic/Likely pathogenic. Review status: criteria provided, multiple submitters, no conflicts (2 of 4 stars). 4 submissions from 4 submitters: Pathogenic (1); Likely pathogenic (2). 1 of the submissions does not count toward it. Last evaluated 2024-12-17.

Conditions:
Alkaptonuria (AKU). Also called: HOMOGENTISIC ACID OXIDASE DEFICIENCY; Alcaptonuria; Homogentisic acidura; Alkaptonuric ochronosis. Identifiers: Orphanet 56, MedGen C0002066, MONDO:0008753, OMIM 203500.

Allele frequency attached by ClinVar (database versions not stated): ExAC 0.00002; gnomAD exomes 0.00002; TOPMed 0.00003; gnomAD 0.00004; ESP Exome Variant Server 0.00008.
gnomAD v4.1: 34 of 1,613,908 alleles (0.0021%); highest among the groups gnomAD compares: African/African-American, 0.0093%; no homozygotes.

Submissions (4):

Labcorp Genetics (formerly Invitae), Labcorp
Classification: Pathogenic for Alkaptonuria. Last evaluated: 2024-12-17. Review status: criteria provided, single submitter. Criteria: Invitae Variant Classification Sherloc (09022015). Collection method: clinical testing. Allele origin: germline.
Comment: This sequence change replaces glutamic acid, which is acidic and polar, with lysine, which is basic and polar, at codon 168 of the HGD protein (p.Glu168Lys). This variant is present in population databases (rs375283568, gnomAD 0.008%). This missense change has been observed in individual(s) with alkaptonuria (PMID: 9630082, 19862842). It has also been observed to segregate with disease in related individuals. ClinVar contains an entry for this variant (Variation ID: 944660). Invitae Evidence Modeling of protein sequence and biophysical properties (such as structural, functional, and spatial information, amino acid conservation, physicochemical variation, residue mobility, and thermodynamic stability) indicates that this missense variant is expected to disrupt HGD protein function with a positive predictive value of 95%. For these reasons, this variant has been classified as Pathogenic.

Fulgent Genetics
Classification: Likely pathogenic for Alkaptonuria. Last evaluated: 2024-03-07. Review status: criteria provided, single submitter. Criteria: ACMG Guidelines, 2015. Collection method: clinical testing. Allele origin: germline.

Juno Genomics, Hangzhou Juno Genomics, Inc
Classification: Likely pathogenic for Alkaptonuria. Review status: criteria provided, single submitter. Criteria: ACMG Guidelines, 2015. Collection method: clinical testing. Allele origin: germline.
Comment: Absent from controls (or at extremely low frequency if recessive) in Genome Aggregation Database.;Multiple lines of computational evidence support a deleterious effect on the gene or gene product.;For recessive disorders, detected in trans with a pathogenic variant.;Co-segregation with disease in multiple affected family members.

Department Of Human Genetics, Institute Of Clinical And Translational Research, Biomedical Research Center, Slovak Academy Of Sciences
Classification: Pathogenic for Alkaptonuria. Review status: no assertion criteria provided. Collection method: research. Allele origin: germline. Inheritance: Autosomal recessive inheritance. Affected: yes. Observed: 10 variant alleles. Not counted in ClinVar's aggregate classification.
Comment: The variant was originally described in AKU patient in PMID:19862842. It has been submitted to the HGD gene mutation database (DB-ID: AKU_00051).

Literature cited by the submitters: PubMed 9630082 (cited by Labcorp Genetics (formerly Invitae), Labcorp); PubMed 19862842 (cited by Labcorp Genetics (formerly Invitae), Labcorp and Department Of Human Genetics, Institute Of Clinical And Translational Research, Biomedical Research Center, Slovak Academy Of Sciences).

NM_000187.4(HGD):c.502G>A (p.Glu168Lys)

Gene: HGD (homogentisate 1,2-dioxygenase; minus strand). Cytogenetic location: 3q13.33.
Variant type: single nucleotide variant.
Coding change: c.502G>A on transcript NM_000187.4 (MANE Select); coding-DNA position 502, G replaced by A.
Protein change: p.Glu168Lys; replaces glutamic acid 168 with lysine.
Molecular consequence: missense variant.
Genome position (GRCh38, 1-based): chr3:120,647,020, C>T on the plus strand (G>A on the coding strand, the complement: HGD is on the minus strand). VCF-style: chr3-120647020-C-T. GRCh37 (hg19) VCF-style: chr3-120365867-C-T.
Other names: short protein forms E168K.
Identifiers: ClinVar variation 944660 (VCV000944660.14), dbSNP rs375283568, ClinGen allele CA2560173.